The following is an entry in ClinVar:

NM_000503.6(EYA1):c.*102T>G

Gene: EYA1 (EYA transcriptional coactivator and phosphatase 1; minus strand). Cytogenetic location: 8q13.3.
Variant type: single nucleotide variant.
Coding change: c.*102T>G on transcript NM_000503.6 (MANE Select); 102 bases downstream of the stop codon, T replaced by G.
Molecular consequence: 3 prime UTR variant.
Genome position (GRCh38, 1-based): chr8:71,199,238, A>C on the plus strand (T>G on the coding strand, the complement: EYA1 is on the minus strand). VCF-style: chr8-71199238-A-C. GRCh37 (hg19) VCF-style: chr8-72111473-A-C.
Other names: c.*102T>G (NM_172059.5, NM_001288574.2, NM_001288575.2 and 5 more transcripts).
Identifiers: ClinVar variation 910386 (VCV000910386.6), dbSNP rs139109847, ClinGen allele CA179471852.

ClinVar aggregate classification (germline): Benign/Likely benign. Review status: criteria provided, multiple submitters, no conflicts (2 of 4 stars). 3 submissions from 2 submitters: Benign (2); Likely benign (1). Last evaluated 2018-08-06.

Conditions:
Otofaciocervical syndrome 1 (OTFCS). Identifiers: MedGen C3714941, MONDO:0024532, OMIM 166780.
Branchiootic syndrome 1 (BOS1). Also called: BO SYNDROME 1; BRANCHIOOTIC DYSPLASIA. Identifiers: MedGen C1865143, MONDO:0011258, OMIM 602588.

Allele frequency attached by ClinVar (database versions not stated): gnomAD exomes 0.00068; gnomAD 0.00587 and 0.00616; TOPMed 0.00682; 1000 Genomes Project 30x 0.00921; 1000 Genomes Project 0.00938.
gnomAD v4.1: 1,391 of 835,152 alleles (0.17%); highest among the groups gnomAD compares: African/African-American, 2%; 13 homozygotes.

Submissions (3):

GeneDx
Classification: Likely benign. Last evaluated: 2018-08-06. Review status: criteria provided, single submitter. Criteria: GeneDx Variant Classification Process June 2021. Collection method: clinical testing. Allele origin: germline. Affected: yes.

Illumina Laboratory Services, Illumina
Classification: Benign for Otofaciocervical syndrome 1. Last evaluated: 2018-01-13. Review status: criteria provided, single submitter. Criteria: ICSL Variant Classification Criteria 13 December 2019. Collection method: clinical testing. Allele origin: germline.
Comment: This variant was observed in the ICSL laboratory as part of a predisposition screen in an ostensibly healthy population. It had not been previously curated by ICSL or reported in the Human Gene Mutation Database (HGMD: prior to June 1st, 2018), and was therefore a candidate for classification through an automated scoring system. Utilizing variant allele frequency, disease prevalence and penetrance estimates, and inheritance mode, an automated score was calculated to assess if this variant is too frequent to cause the disease. Based on the score and internal cut-off values, a variant classified as benign is not then subjected to further curation. The score for this variant resulted in a classification of benign for this disease.

Illumina Laboratory Services, Illumina
Classification: Benign for Branchiootic syndrome. Last evaluated: 2018-01-13. Review status: criteria provided, single submitter. Criteria: ICSL Variant Classification Criteria 13 December 2019. Collection method: clinical testing. Allele origin: germline.
Comment: the same text as in the submission from Illumina Laboratory Services, Illumina above.